The following is an entry in ClinVar:

NM_001267550.2(TTN):c.91295T>C (p.Ile30432Thr)

Genes: TTN (titin; minus strand), TTN-AS1 (TTN antisense RNA 1; plus strand). Cytogenetic location: 2q31.2.
Variant type: single nucleotide variant.
Coding change: c.91295T>C on transcript NM_001267550.2 (MANE Select); coding-DNA position 91295, T replaced by C.
Protein change: p.Ile30432Thr; replaces isoleucine 30432 with threonine.
Molecular consequence: missense variant.
Genome position (GRCh38, 1-based): chr2:178,551,236, A>G on the plus strand (T>C on the coding strand, the complement: TTN is on the minus strand). VCF-style: chr2-178551236-A-G. GRCh37 (hg19) VCF-style: chr2-179415963-A-G.
Other names: c.86372T>C, p.Ile28791Thr (NM_001256850.1); c.64100T>C, p.Ile21367Thr (NM_003319.4); c.83591T>C, p.Ile27864Thr (NM_133378.4); c.64475T>C, p.Ile21492Thr (NM_133432.3); c.64676T>C, p.Ile21559Thr (NM_133437.4); short protein forms I21367T, I21492T, I21559T, I27864T, I28791T, I30432T.
Identifiers: ClinVar variation 1712163 (VCV001712163.2), dbSNP rs2469241563, ClinGen allele CA349502359.

ClinVar aggregate classification (germline): Uncertain significance (1 of 4 stars; one submission).

Allele frequency attached by ClinVar (database versions not stated): gnomAD exomes below 0.00001.
gnomAD v4.1: 3 of 1,613,112 alleles (0.00019%); highest among the groups gnomAD compares: Non-Finnish European, 0.000085%; no homozygotes.

Submission:

GeneDx
Classification: Uncertain significance. Last evaluated: 2022-04-18. Review status: criteria provided, single submitter. Criteria: GeneDx Variant Classification Process June 2021. Collection method: clinical testing. Allele origin: germline. Affected: yes.
Comment: Has not been previously published as pathogenic or benign to our knowledge; Not observed at significant frequency in large population cohorts (gnomAD); Missense variant in a gene in which most reported pathogenic variants are truncating/loss of function